The following is an entry in ClinVar:

NM_006265.3(RAD21):c.1303C>G (p.Gln435Glu)

Gene: RAD21 (RAD21 cohesin complex component; minus strand). Cytogenetic location: 8q24.11.
Variant type: single nucleotide variant.
Coding change: c.1303C>G on transcript NM_006265.3 (MANE Select); coding-DNA position 1303, C replaced by G.
Protein change: p.Gln435Glu; replaces glutamine 435 with glutamic acid.
Molecular consequence: missense variant.
Genome position (GRCh38, 1-based): chr8:116,852,567, G>C on the plus strand (C>G on the coding strand, the complement: RAD21 is on the minus strand). VCF-style: chr8-116852567-G-C. GRCh37 (hg19) VCF-style: chr8-117864806-G-C.
Other names: short protein forms Q435E.
Identifiers: ClinVar variation 4706292 (VCV004706292.1).
Genomic context (GRCh38, chr8:116,852,567, plus strand): 5'-CTCATGTGAACTTCATCAAGGAACTATTCCAACAGAACAAACCGATAACATCACGCTGCT[G>C]ATGCTGCTGTTGCTGGTCCTCTCTAGGAACCTCTGGATTTTCAAATTCTTTGAGGAATTC-3'
Protein context (NP_006256.1, residues 425-445): VPREDQQQQH[Gln435Glu]QRDVIDEPII

ClinVar aggregate classification (germline): Uncertain significance (1 of 4 stars; one submission).

Conditions:
Cornelia de Lange syndrome 4 (CDLS4). Also called: RAD21-Related Cornelia de Lange Syndrome; CORNELIA DE LANGE SYNDROME 4 WITH OR WITHOUT MIDLINE BRAIN DEFECTS. Identifiers: Orphanet 199, MedGen C3553517, MONDO:0013864, OMIM 614701.

gnomAD v4.1: 2 of 1,612,502 alleles (0.00012%); highest among the groups gnomAD compares: Admixed American, 0.0017%; no homozygotes.

Submission:

Labcorp Genetics (formerly Invitae), Labcorp
Classification: Uncertain significance for Cornelia de Lange syndrome 4. Last evaluated: 2025-07-24. Review status: criteria provided, single submitter. Criteria: Invitae Variant Classification Sherloc (09022015). Collection method: clinical testing. Allele origin: germline.
Comment: This sequence change replaces glutamine, which is neutral and polar, with glutamic acid, which is acidic and polar, at codon 435 of the RAD21 protein (p.Gln435Glu). This variant is present in population databases (no rsID available, gnomAD 0.003%). This variant has not been reported in the literature in individuals affected with RAD21-related conditions. Invitae Evidence Modeling of protein sequence and biophysical properties (such as structural, functional, and spatial information, amino acid conservation, physicochemical variation, residue mobility, and thermodynamic stability) indicates that this missense variant is not expected to disrupt RAD21 protein function with a negative predictive value of 95%. In summary, the available evidence is currently insufficient to determine the role of this variant in disease. Therefore, it has been classified as a Variant of Uncertain Significance.